The following is an entry in ClinVar:

ClinVar aggregate classification (germline): Uncertain significance. Review status: criteria provided, multiple submitters, no conflicts (2 of 4 stars). 2 submissions from 2 submitters: Uncertain significance (2). Last evaluated 2022-01-26.

Conditions:
Amyotrophic lateral sclerosis type 9 (ALS9). Identifiers: Orphanet 803, MedGen C2678468, MONDO:0012753, OMIM 611895.

Allele frequency attached by ClinVar (database versions not stated): gnomAD 0.00002.
gnomAD v4.1: 8 of 1,613,898 alleles (0.0005%); highest among the groups gnomAD compares: African/African-American, 0.0013%; no homozygotes.

Submissions (2):

Labcorp Genetics (formerly Invitae), Labcorp
Classification: Uncertain significance. Last evaluated: 2022-01-26. Review status: criteria provided, single submitter. Criteria: Invitae Variant Classification Sherloc (09022015). Collection method: clinical testing. Allele origin: germline.
Comment: In summary, the available evidence is currently insufficient to determine the role of this variant in disease. Therefore, it has been classified as a Variant of Uncertain Significance. Algorithms developed to predict the effect of missense changes on protein structure and function output the following: SIFT: "Tolerated"; PolyPhen-2: "Benign"; Align-GVGD: "Class C0". The leucine amino acid residue is found in multiple mammalian species, which suggests that this missense change does not adversely affect protein function. ClinVar contains an entry for this variant (Variation ID: 882867). This variant has not been reported in the literature in individuals affected with ANG-related conditions. This variant is present in population databases (no rsID available, gnomAD 0.02%). This sequence change replaces proline, which is neutral and non-polar, with leucine, which is neutral and non-polar, at codon 21 of the ANG protein (p.Pro21Leu).

Illumina Laboratory Services, Illumina
Classification: Uncertain significance for Amyotrophic lateral sclerosis type 9. Last evaluated: 2018-01-13. Review status: criteria provided, single submitter. Criteria: ICSL Variant Classification Criteria 13 December 2019. Collection method: clinical testing. Allele origin: germline.

NM_001097577.3(ANG):c.62C>T (p.Pro21Leu)

Genes: ANG (angiogenin; plus strand), RNASE4 (ribonuclease A family member 4; plus strand), EGILA (EGFR interacting lncRNA; minus strand). Cytogenetic location: 14q11.2.
Variant type: single nucleotide variant.
Coding change: c.62C>T on transcript NM_001097577.3 (MANE Select); coding-DNA position 62, C replaced by T.
Protein change: p.Pro21Leu; replaces proline 21 with leucine.
Molecular consequence: missense variant. On other transcripts: non-coding transcript variant (1), 5 prime UTR variant (1), intron variant (3).
Genome position (GRCh38, 1-based): chr14:20,693,626, C>T. VCF-style: chr14-20693626-C-T. GRCh37 (hg19) VCF-style: chr14-21161785-C-T.
Other names: c.62C>T, p.Pro21Leu (NM_001145.4, NM_001385271.1, NM_001385272.1 and 2 more transcripts); c.-42C>T (NM_001282192.2); c.-17-5729C>T (NM_002937.5, NM_001282193.2); c.-18+4752C>T (NM_194431.3); short protein forms P21L.
Identifiers: ClinVar variation 882867 (VCV000882867.8), dbSNP rs773237991, ClinGen allele CA389112777.